The following is an entry in ClinVar:

ClinVar aggregate classification (germline): Conflicting classifications of pathogenicity. Review status: criteria provided, conflicting classifications (1 of 4 stars). 2 submissions from 2 submitters: Uncertain significance (1); Likely benign (1). Last evaluated 2025-11-11.

Conditions:
Cardiovascular phenotype. Identifiers: MedGen CN230736.

Allele frequency attached by ClinVar (database versions not stated): gnomAD exomes 0.00001; ExAC 0.00002; TOPMed 0.00006.

Submissions (2):

Labcorp Genetics (formerly Invitae), Labcorp
Classification: Uncertain significance. Last evaluated: 2025-11-11. Review status: criteria provided, single submitter. Criteria: Invitae Variant Classification Sherloc (09022015). Collection method: clinical testing. Allele origin: germline.
Comment: This sequence change replaces serine, which is neutral and polar, with asparagine, which is neutral and polar, at codon 858 of the ALPK3 protein (p.Ser858Asn). This variant is present in population databases (rs757302796, gnomAD 0.006%). This variant has not been reported in the literature in individuals affected with ALPK3-related conditions. ClinVar contains an entry for this variant (Variation ID: 1900679). Invitae Evidence Modeling of protein sequence and biophysical properties (such as structural, functional, and spatial information, amino acid conservation, physicochemical variation, residue mobility, and thermodynamic stability) indicates that this missense variant is not expected to disrupt ALPK3 protein function with a negative predictive value of 80%. In summary, the available evidence is currently insufficient to determine the role of this variant in disease. Therefore, it has been classified as a Variant of Uncertain Significance.

Ambry Genetics
Classification: Likely benign for Cardiovascular phenotype. Last evaluated: 2024-07-30. Review status: criteria provided, single submitter. Criteria: Ambry Variant Classification Scheme 2023. Collection method: clinical testing. Allele origin: germline.

NM_020778.5(ALPK3):c.1967G>A (p.Ser656Asn)

Gene: ALPK3 (alpha kinase 3; plus strand). Cytogenetic location: 15q25.3.
Variant type: single nucleotide variant.
Coding change: c.1967G>A on transcript NM_020778.5 (MANE Select); coding-DNA position 1967, G replaced by A.
Protein change: p.Ser656Asn; replaces serine 656 with asparagine.
Molecular consequence: missense variant.
Genome position (GRCh38, 1-based): chr15:84,856,705, G>A. VCF-style: chr15-84856705-G-A. GRCh37 (hg19) VCF-style: chr15-85399936-G-A.
Other names: c.2573G>A (NM_020778.4); short protein forms S656N.
Identifiers: ClinVar variation 1900679 (VCV001900679.7), dbSNP rs757302796, ClinGen allele CA7709324.